The following is an entry in ClinVar:

ClinVar aggregate classification (germline): Uncertain significance (1 of 4 stars; one submission).

Conditions:
Hereditary cancer-predisposing syndrome. Also called: Neoplastic Syndromes, Hereditary; Tumor predisposition; Hereditary neoplastic syndrome; Hereditary Cancer Syndrome. Identifiers: Orphanet 140162, MedGen C0027672, MeSH D009386, MONDO:0015356.

Submission:

Ambry Genetics
Classification: Uncertain significance for Hereditary cancer-predisposing syndrome. Last evaluated: 2023-01-11. Review status: criteria provided, single submitter. Criteria: Ambry Variant Classification Scheme 2023. Collection method: clinical testing. Allele origin: germline.
Comment: The p.E297Q variant (also known as c.889G>C), located in coding exon 9 of the BRCA2 gene, results from a G to C substitution at nucleotide position 889. The glutamic acid at codon 297 is replaced by glutamine, an amino acid with highly similar properties. This amino acid position is conserved. In addition, this alteration is predicted to be tolerated by in silico analysis. Since supporting evidence is limited at this time, the clinical significance of this alteration remains unclear.

NM_000059.4(BRCA2):c.889G>C (p.Glu297Gln)

Gene: BRCA2 (BRCA2 DNA repair associated; plus strand). Cytogenetic location: 13q13.1.
Variant type: single nucleotide variant.
Coding change: c.889G>C on transcript NM_000059.4 (MANE Select); coding-DNA position 889, G replaced by C.
Protein change: p.Glu297Gln; replaces glutamic acid 297 with glutamine.
Molecular consequence: missense variant. On other transcripts: non-coding transcript variant (1), intron variant (1).
Genome position (GRCh38, 1-based): chr13:32,332,367, G>C. VCF-style: chr13-32332367-G-C. GRCh37 (hg19) VCF-style: chr13-32906504-G-C.
Other names: c.889G>C, p.Glu297Gln (NM_001406719.1, NM_001406720.1, NM_001406721.1); c.424+1337G>C (NM_001406722.1); short protein forms E297Q.
Identifiers: ClinVar variation 2451533 (VCV002451533.2), dbSNP rs879255298, ClinGen allele CA387760657.